The following is an entry in ClinVar:

ClinVar aggregate classification (germline): Uncertain significance (1 of 4 stars; one submission).

Conditions:
TRPC5-related disorder. Also called: TRPC5-related condition.

Allele frequency attached by ClinVar (database versions not stated): ExAC 0.00001; gnomAD exomes 0.00002.
gnomAD v4.1: 7 of 1,210,814 alleles (0.00058%); highest among the groups gnomAD compares: South Asian, 0.007%; no homozygotes.

Submission:

PreventionGenetics, part of Exact Sciences
Classification: Uncertain significance for TRPC5-related condition. Last evaluated: 2026-05-26. Review status: criteria provided, single submitter. Criteria: ACMG Guidelines, 2015. Collection method: clinical testing. Allele origin: germline.
Comment: The TRPC5 c.2740C>G variant is predicted to result in the amino acid substitution p.Gln914Glu. To our knowledge, this variant has not been reported in the literature. This variant is reported in 0.0053% of alleles in individuals of South Asian descent in gnomAD. At this time, the clinical significance of this variant is uncertain due to the absence of conclusive functional and genetic evidence.

NM_012471.3(TRPC5):c.2740C>G (p.Gln914Glu)

Gene: TRPC5 (transient receptor potential cation channel subfamily C member 5; minus strand). Cytogenetic location: Xq23.
Variant type: single nucleotide variant.
Coding change: c.2740C>G on transcript NM_012471.3 (MANE Select); coding-DNA position 2740, C replaced by G.
Protein change: p.Gln914Glu; replaces glutamine 914 with glutamic acid.
Molecular consequence: missense variant.
Genome position (GRCh38, 1-based): chrX:111,776,495, G>C on the plus strand (C>G on the coding strand, the complement: TRPC5 is on the minus strand). VCF-style: chrX-111776495-G-C. GRCh37 (hg19) VCF-style: chrX-111019723-G-C.
Other names: short protein forms Q914E.
Identifiers: ClinVar variation 2629352 (VCV002629352.2), dbSNP rs764629984, ClinGen allele CA10494119.